The following is an entry in ClinVar:

ClinVar aggregate classification (germline): Conflicting classifications of pathogenicity. Review status: criteria provided, conflicting classifications (1 of 4 stars). 6 submissions from 6 submitters: Uncertain significance (4); Likely benign (1). 1 of the submissions does not count toward it. Last evaluated 2025-01-07.

Conditions:
Hereditary breast ovarian cancer syndrome. Also called: Breast and ovarian cancer; Hereditary breast and ovarian cancer syndrome; Hereditary breast and ovarian cancer; Hereditary breast and ovarian cancer syndrome (HBOC); Hereditary breast and/or ovarian cancer syndrome; BRCA1- and BRCA2-Associated Hereditary Breast and Ovarian Cancer. Identifiers: Orphanet 145, MedGen C0677776, MeSH D061325, MONDO:0003582. Disease mechanism: loss of function.
Hereditary cancer-predisposing syndrome. Also called: Hereditary neoplastic syndrome; Tumor predisposition; Hereditary Cancer Syndrome; Neoplastic Syndromes, Hereditary. Identifiers: Orphanet 140162, MedGen C0027672, MeSH D009386, MONDO:0015356.
Breast-ovarian cancer, familial, susceptibility to, 2 (BROVCA2). Also called: BRCA2 Hereditary Breast and Ovarian Cancer. Identifiers: Orphanet 145, MedGen C2675520, MONDO:0012933, OMIM 612555. Disease mechanism: loss of function.

Submissions (6):

Color Diagnostics, LLC DBA Color Health
Classification: Uncertain significance for Hereditary cancer-predisposing syndrome. Last evaluated: 2025-01-07. Review status: criteria provided, single submitter. Criteria: ACMG Guidelines, 2015. Collection method: clinical testing. Allele origin: germline.
Comment: This missense variant replaces proline with serine at codon 2589 of the BRCA2 protein. Computational prediction tool is inconclusive regarding the impact of this variant on protein structure and function. To our knowledge, functional studies have not been reported for this variant. A multifactorial analysis has reported a likelihood ratio for pathogenicity based on personal and family history of 0.586 from log(LR)=-0.232029349 for one carrier (PMID: 31853058). This variant has not been identified in the general population by the Genome Aggregation Database (gnomAD). The available evidence is insufficient to determine the role of this variant in disease conclusively. Therefore, this variant is classified as a Variant of Uncertain Significance.

CeGaT Center for Human Genetics Tuebingen
Classification: Uncertain significance. Last evaluated: 2024-11-01. Review status: criteria provided, single submitter. Criteria: CeGaT Center For Human Genetics Tuebingen Variant Classification Criteria Version 2. Collection method: clinical testing. Allele origin: germline. Affected: yes. Observed: 1 variant allele.
Comment: BRCA2: PM2

All of Us Research Program, National Institutes of Health
Classification: Uncertain significance for Breast-ovarian cancer, familial, susceptibility to, 2. Last evaluated: 2023-11-20. Review status: criteria provided, single submitter. Criteria: ACMG Guidelines, 2015. Collection method: clinical testing. Allele origin: germline. Inheritance: Autosomal dominant inheritance. Observed: 1 variant allele, 1 heterozygote.
Comment: This missense variant replaces proline with serine at codon 2589 of the BRCA2 protein. Computational prediction suggests that this variant may have deleterious impact on protein structure and function (internally defined REVEL score threshold >= 0.7, PMID: 27666373). To our knowledge, functional studies have not been reported for this variant. This variant has not been reported in individuals affected with hereditary cancer in the literature. This variant has not been identified in the general population by the Genome Aggregation Database (gnomAD). The available evidence is insufficient to determine the role of this variant in disease conclusively. Therefore, this variant is classified as a Variant of Uncertain Significance.

This study involves interpretation of variants in research participants for the purpose of population health screening. Participant phenotype was not available at the time of variant classification. Additional details can be found in publication PMID: 35346344, PMCID: PMC8962531

Ambry Genetics
Classification: Likely benign for Hereditary cancer-predisposing syndrome. Last evaluated: 2022-01-04. Review status: criteria provided, single submitter. Criteria: Ambry Variant Classification Scheme 2023. Collection method: clinical testing. Allele origin: germline.

Labcorp Genetics (formerly Invitae), Labcorp
Classification: Uncertain significance for Hereditary breast ovarian cancer syndrome. Last evaluated: 2021-10-26. Review status: criteria provided, single submitter. Criteria: Invitae Variant Classification Sherloc (09022015). Collection method: clinical testing. Allele origin: germline.
Comment: In summary, the available evidence is currently insufficient to determine the role of this variant in disease. Therefore, it has been classified as a Variant of Uncertain Significance. Algorithms developed to predict the effect of missense changes on protein structure and function are either unavailable or do not agree on the potential impact of this missense change (SIFT: "Tolerated"; PolyPhen-2: "Probably Damaging"; Align-GVGD: "Class C0"). This variant has not been reported in the literature in individuals affected with BRCA2-related conditions. This variant is not present in population databases (ExAC no frequency). This sequence change replaces proline with serine at codon 2589 of the BRCA2 protein (p.Pro2589Ser). The proline residue is highly conserved and there is a moderate physicochemical difference between proline and serine.

BRCAlab, Lund University
Classification: Uncertain significance for Breast-ovarian cancer, familial, susceptibility to, 2. Last evaluated: 2020-03-02. Review status: no assertion criteria provided. Collection method: clinical testing. Allele origin: germline. Affected: yes. Not counted in ClinVar's aggregate classification.

Literature cited by the submitters: PubMed 31853058 (cited by Color Diagnostics, LLC DBA Color Health).

NM_000059.4(BRCA2):c.7765C>T (p.Pro2589Ser)

Gene: BRCA2 (BRCA2 DNA repair associated; plus strand). Cytogenetic location: 13q13.1.
Variant type: single nucleotide variant.
Coding change: c.7765C>T on transcript NM_000059.4 (MANE Select); coding-DNA position 7765, C replaced by T.
Protein change: p.Pro2589Ser; replaces proline 2589 with serine.
Molecular consequence: missense variant.
Genome position (GRCh38, 1-based): chr13:32,357,889, C>T. VCF-style: chr13-32357889-C-T. GRCh37 (hg19) VCF-style: chr13-32932026-C-T.
Other names: short protein forms P2589S.
Identifiers: ClinVar variation 441474 (VCV000441474.30), dbSNP rs753047043, ClinGen allele CA387745881.
Genomic context (GRCh38, chr13:32,357,889, plus strand): 5'-GGTAAGGAAAGTTTATGGACTGGAAAAGGAATACAGTTGGCTGATGGTGGATGGCTCATA[C>T]CCTCCAATGATGGAAAGGCTGGAAAAGAAGAATTTTATAGGTACTCTATGCAAAAAGATT-3'
Protein context (NP_000050.3, residues 2579-2599): IQLADGGWLI[Pro2589Ser]SNDGKAGKEE